The following is an entry in ClinVar:

ClinVar aggregate classification (germline): Uncertain significance (1 of 4 stars; one submission).

Conditions:
Cardiovascular phenotype. Identifiers: MedGen CN230736.

Submission:

Ambry Genetics
Classification: Uncertain significance for Cardiovascular phenotype. Last evaluated: 2026-01-25. Review status: criteria provided, single submitter. Criteria: Ambry Variant Classification Scheme 2023. Collection method: clinical testing. Allele origin: germline.
Comment: The p.Q2052R variant (also known as c.6155A>G), located in coding exon 24 of the DSP gene, results from an A to G substitution at nucleotide position 6155. The glutamine at codon 2052 is replaced by arginine, an amino acid with highly similar properties. This amino acid position is conserved. In addition, this alteration is predicted to be deleterious by in silico analysis. Based on the available evidence, the clinical significance of this variant remains unclear.

NM_004415.4(DSP):c.6155A>G (p.Gln2052Arg)

Gene: DSP (desmoplakin; plus strand). Cytogenetic location: 6p24.3.
Variant type: single nucleotide variant.
Coding change: c.6155A>G on transcript NM_004415.4 (MANE Select); coding-DNA position 6155, A replaced by G.
Protein change: p.Gln2052Arg; replaces glutamine 2052 with arginine.
Molecular consequence: missense variant.
Genome position (GRCh38, 1-based): chr6:7,583,417, A>G. VCF-style: chr6-7583417-A-G. GRCh37 (hg19) VCF-style: chr6-7583650-A-G.
Other names: c.4358A>G, p.Gln1453Arg (NM_001008844.3); c.4826A>G, p.Gln1609Arg (NM_001319034.2); short protein forms Q1609R, Q1453R, Q2052R.
Identifiers: ClinVar variation 4825295 (VCV004825295.1).
Genomic context (GRCh38, chr6:7,583,417, plus strand): 5'-TAGAGGCCAAGAGAAAGAAATTAATCAGCCCAGAATCCACAGTCATGCTTCTGGAGGCCC[A>G]GGCAGCTACAGGTGGTATAATTGATCCCCATCGGAATGAGAAGCTGACTGTCGACAGTGC-3'
Protein context (NP_004406.2, residues 2042-2062): PESTVMLLEA[Gln2052Arg]AATGGIIDPH